The following is an entry in ClinVar:

NM_000038.6(APC):c.1820G>C (p.Cys607Ser)

Gene: APC (APC regulator of Wnt signaling pathway; plus strand). Cytogenetic location: 5q22.2.
Variant type: single nucleotide variant.
Coding change: c.1820G>C on transcript NM_000038.6 (MANE Select); coding-DNA position 1820, G replaced by C.
Protein change: p.Cys607Ser; replaces cysteine 607 with serine.
Molecular consequence: missense variant.
Genome position (GRCh38, 1-based): chr5:112,835,027, G>C. VCF-style: chr5-112835027-G-C. GRCh37 (hg19) VCF-style: chr5-112170724-G-C.
Other names: p.Cys607Ser; c.1820G>C, p.Cys607Ser (NM_001127510.3, NM_001354895.2); c.1766G>C, p.Cys589Ser (NM_001127511.3); c.1874G>C, p.Cys625Ser (NM_001354896.2); c.1850G>C, p.Cys617Ser (NM_001354897.2); c.1745G>C, p.Cys582Ser (NM_001354898.2); c.1736G>C, p.Cys579Ser (NM_001354899.2); c.1697G>C, p.Cys566Ser (NM_001354900.2); and 6 more; short protein forms C589S, C607S, C516S, C566S, C617S, C625S, C447S, C324S.
Identifiers: ClinVar variation 486778 (VCV000486778.17), dbSNP rs1554083153, ClinGen allele CA16025305.

ClinVar aggregate classification (germline): Uncertain significance. Review status: criteria provided, multiple submitters, no conflicts (2 of 4 stars). 4 submissions from 4 submitters: Uncertain significance (4). Last evaluated 2025-04-27.

Conditions:
Familial adenomatous polyposis 1 (FAP1). Also called: FAMILIAL ADENOMATOUS POLYPOSIS 1, ATTENUATED; POLYPOSIS, ADENOMATOUS INTESTINAL. Identifiers: MedGen C2713442, MONDO:0021056, OMIM 175100. Disease mechanism: loss of function.
Hereditary cancer-predisposing syndrome. Also called: Tumor predisposition; Hereditary Cancer Syndrome; Hereditary neoplastic syndrome; Neoplastic Syndromes, Hereditary. Identifiers: Orphanet 140162, MedGen C0027672, MeSH D009386, MONDO:0015356.
Desmoid disease, hereditary (DESMD). Also called: FIBROMATOSIS, FAMILIAL INFILTRATIVE. Identifiers: Orphanet 873, MedGen C1851124, OMIM 135290. Disease mechanism: loss of function.

Allele frequency attached by ClinVar (database versions not stated): gnomAD exomes below 0.00001.
gnomAD v4.1: 2 of 1,614,134 alleles (0.00012%); highest among the groups gnomAD compares: South Asian, 0.0022%; no homozygotes.

Submissions (4):

Labcorp Genetics (formerly Invitae), Labcorp
Classification: Uncertain significance for Familial adenomatous polyposis 1. Last evaluated: 2025-04-27. Review status: criteria provided, single submitter. Criteria: Invitae Variant Classification Sherloc (09022015). Collection method: clinical testing. Allele origin: germline.
Comment: This sequence change replaces cysteine, which is neutral and slightly polar, with serine, which is neutral and polar, at codon 607 of the APC protein (p.Cys607Ser). This variant is not present in population databases (gnomAD no frequency). This variant has not been reported in the literature in individuals affected with APC-related conditions. ClinVar contains an entry for this variant (Variation ID: 486778). Invitae Evidence Modeling of protein sequence and biophysical properties (such as structural, functional, and spatial information, amino acid conservation, physicochemical variation, residue mobility, and thermodynamic stability) has been performed for this missense variant. However, the output from this modeling did not meet the statistical confidence thresholds required to predict the impact of this variant on APC protein function. In summary, the available evidence is currently insufficient to determine the role of this variant in disease. Therefore, it has been classified as a Variant of Uncertain Significance.

Color Diagnostics, LLC DBA Color Health
Classification: Uncertain significance for Hereditary cancer-predisposing syndrome. Last evaluated: 2024-03-06. Review status: criteria provided, single submitter. Criteria: ACMG Guidelines, 2015. Collection method: clinical testing. Allele origin: germline.
Comment: This missense variant replaces cysteine with serine at codon 607 of the APC protein. Computational prediction suggests that this variant may have deleterious impact on protein structure and function (internally defined REVEL score threshold >= 0.7, PMID: 27666373). To our knowledge, functional studies have not been reported for this variant. This variant has not been reported in individuals affected with hereditary cancer in the literature. This variant has not been identified in the general population by the Genome Aggregation Database (gnomAD). The available evidence is insufficient to determine the role of this variant in disease conclusively. Therefore, this variant is classified as a Variant of Uncertain Significance.

Foundation for Research in Genetics and Endocrinology, FRIGE's Institute of Human Genetics
Classification: Uncertain significance for Desmoid disease, hereditary. Last evaluated: 2022-09-13. Review status: criteria provided, single submitter. Criteria: ACMG Guidelines, 2015. Collection method: clinical testing. Allele origin: germline. Inheritance: Autosomal dominant inheritance. Affected: yes. Observed: 1 heterozygote.
Comment: A heterozygous missense variation in exon 15 of the APC gene that results in the amino acid substitution of Serine for Cysteine at codon 607 was detected. The observed variation has not been reported in the 1000 genomes and gnomAD databases. The in silico predictions of the variant are probably damaging by PolyPhen-2 (HumDiv) and damaging by SIFT, LRT and MutationTaster2. The reference codon is conserved across species.

Ambry Genetics
Classification: Uncertain significance for Hereditary cancer-predisposing syndrome. Last evaluated: 2017-02-17. Review status: criteria provided, single submitter. Criteria: Ambry Variant Classification Scheme 2023. Collection method: clinical testing. Allele origin: germline.
Comment: The p.C607S variant (also known as c.1820G>C), located in coding exon 14 of the APC gene, results from a G to C substitution at nucleotide position 1820. The cysteine at codon 607 is replaced by serine, an amino acid with dissimilar properties. This amino acid position is highly conserved in available vertebrate species. In addition, in silico predictors for this gene do not accurately predict pathogenicity. Since supporting evidence is limited at this time, the clinical significance of this alteration remains unclear.